The following is an entry in ClinVar:

NM_004946.3(DOCK2):c.304T>C (p.Trp102Arg)

Gene: DOCK2 (dedicator of cytokinesis 2; plus strand). Cytogenetic location: 5q35.1.
Variant type: single nucleotide variant.
Coding change: c.304T>C on transcript NM_004946.3 (MANE Select); coding-DNA position 304, T replaced by C.
Protein change: p.Trp102Arg; replaces tryptophan 102 with arginine.
Molecular consequence: missense variant. On other transcripts: non-coding transcript variant (1).
Genome position (GRCh38, 1-based): chr5:169,671,157, T>C. VCF-style: chr5-169671157-T-C. GRCh37 (hg19) VCF-style: chr5-169098161-T-C.
Other names: short protein forms W102R.
Identifiers: ClinVar variation 1932879 (VCV001932879.5), dbSNP rs2532446615, ClinGen allele CA362102421.

ClinVar aggregate classification (germline): Uncertain significance (1 of 4 stars; one submission).

Conditions:
DOCK2 deficiency. Also called: Immunodeficiency 40. Identifiers: Orphanet 447737, MedGen C4225328, MONDO:0014637, OMIM 616433.

Submission:

Labcorp Genetics (formerly Invitae), Labcorp
Classification: Uncertain significance for DOCK2 deficiency. Last evaluated: 2022-03-27. Review status: criteria provided, single submitter. Criteria: Invitae Variant Classification Sherloc (09022015). Collection method: clinical testing. Allele origin: germline.
Comment: In summary, the available evidence is currently insufficient to determine the role of this variant in disease. Therefore, it has been classified as a Variant of Uncertain Significance. Algorithms developed to predict the effect of missense changes on protein structure and function are either unavailable or do not agree on the potential impact of this missense change (SIFT: "Deleterious"; PolyPhen-2: "Probably Damaging"; Align-GVGD: "Class C0"). This variant has not been reported in the literature in individuals affected with DOCK2-related conditions. This variant is not present in population databases (gnomAD no frequency). This sequence change replaces tryptophan, which is neutral and slightly polar, with arginine, which is basic and polar, at codon 102 of the DOCK2 protein (p.Trp102Arg).